The following is an entry in ClinVar:

NM_000492.4(CFTR):c.1036C>T (p.Leu346=)

Gene: CFTR (CF transmembrane conductance regulator; plus strand). Cytogenetic location: 7q31.2.
Variant type: single nucleotide variant.
Coding change: c.1036C>T on transcript NM_000492.4 (MANE Select); coding-DNA position 1036, C replaced by T.
Protein change: p.Leu346=; no amino-acid change (leucine 346 retained).
Molecular consequence: synonymous variant.
Genome position (GRCh38, 1-based): chr7:117,540,266, C>T. VCF-style: chr7-117540266-C-T. GRCh37 (hg19) VCF-style: chr7-117180320-C-T.
Identifiers: ClinVar variation 1096582 (VCV001096582.13), dbSNP rs575762281, ClinGen allele CA4450880.

ClinVar aggregate classification (germline): Likely benign. Review status: criteria provided, multiple submitters, no conflicts (2 of 4 stars). 3 submissions from 3 submitters: Likely benign (2). 1 of the submissions does not count toward it. Last evaluated 2025-10-23.

Conditions:
CFTR-related disorder (CFTR-RD). Also called: CFTR-related condition; CFTR-related disorders. Identifiers: MedGen C5924204, MONDO:7770004.
Cystic fibrosis (CF). Also called: MUCOVISCIDOSIS. Identifiers: Orphanet 586, MedGen C0010674, MONDO:0009061, OMIM 219700. Disease mechanism: loss of function.

Allele frequency attached by ClinVar (database versions not stated): TOPMed below 0.00001; ExAC 0.00002; gnomAD exomes 0.00003 and 0.00001; gnomAD 0.00001.
gnomAD v4.1: 12 of 1,613,904 alleles (0.00074%); highest among the groups gnomAD compares: South Asian, 0.011%; no homozygotes.

Submissions (3):

Labcorp Genetics (formerly Invitae), Labcorp
Classification: Likely benign for Cystic fibrosis. Last evaluated: 2025-10-23. Review status: criteria provided, single submitter. Criteria: Invitae Variant Classification Sherloc (09022015). Collection method: clinical testing. Allele origin: germline.

Ambry Genetics
Classification: Likely benign for Cystic fibrosis. Last evaluated: 2022-04-30. Review status: criteria provided, single submitter. Criteria: Ambry Variant Classification Scheme 2023. Collection method: clinical testing. Allele origin: germline.

PreventionGenetics, part of Exact Sciences
Classification: Likely benign for CFTR-related condition. Last evaluated: 2023-03-09. Review status: no assertion criteria provided. Collection method: clinical testing. Allele origin: germline. Not counted in ClinVar's aggregate classification.
Comment: This variant is classified as likely benign based on ACMG/AMP sequence variant interpretation guidelines (Richards et al. 2015 PMID: 25741868, with internal and published modifications).